The following is an entry in ClinVar:

ClinVar aggregate classification (germline): Benign. Review status: criteria provided, multiple submitters, no conflicts (2 of 4 stars). 3 submissions from 3 submitters: Benign (3). Last evaluated 2018-07-31.

Conditions:
Bruck syndrome 2 (BRKS2). Also called: OSTEOGENESIS IMPERFECTA WITH CONGENITAL JOINT CONTRACTURES. Identifiers: Orphanet 2771, MedGen C1836602, MONDO:0012217, OMIM 609220.

Allele frequency attached by ClinVar (database versions not stated): 1000 Genomes Project 30x 0.01655; 1000 Genomes Project 0.01717; TOPMed 0.02248; gnomAD 0.02656 and 0.02719; gnomAD exomes 0.03449.
gnomAD v4.1: 17,644 of 542,934 alleles (3.2%); highest among the groups gnomAD compares: South Asian, 4%; 410 homozygotes.

Submissions (3):

GeneDx
Classification: Benign. Last evaluated: 2018-07-31. Review status: criteria provided, single submitter. Criteria: GeneDx Variant Classification Process June 2021. Collection method: clinical testing. Allele origin: germline. Affected: yes.

Illumina Laboratory Services, Illumina
Classification: Benign for Bruck syndrome 2. Last evaluated: 2018-01-13. Review status: criteria provided, single submitter. Criteria: ICSL Variant Classification Criteria 13 December 2019. Collection method: clinical testing. Allele origin: germline.
Comment: This variant was observed in the ICSL laboratory as part of a predisposition screen in an ostensibly healthy population. It had not been previously curated by ICSL or reported in the Human Gene Mutation Database (HGMD: prior to June 1st, 2018), and was therefore a candidate for classification through an automated scoring system. Utilizing variant allele frequency, disease prevalence and penetrance estimates, and inheritance mode, an automated score was calculated to assess if this variant is too frequent to cause the disease. Based on the score and internal cut-off values, a variant classified as benign is not then subjected to further curation. The score for this variant resulted in a classification of benign for this disease.

Breakthrough Genomics
Classification: Benign. Review status: criteria provided, single submitter. Criteria: ACMG Guidelines, 2015. Collection method: not provided. Allele origin: germline. Inheritance: Autosomal recessive inheritance. Affected: yes.

NM_182943.3(PLOD2):c.*171T>G

Gene: PLOD2 (procollagen-lysine,2-oxoglutarate 5-dioxygenase 2; minus strand). Cytogenetic location: 3q24.
Variant type: single nucleotide variant.
Coding change: c.*171T>G on transcript NM_182943.3 (MANE Select); 171 bases downstream of the stop codon, T replaced by G.
Molecular consequence: 3 prime UTR variant.
Genome position (GRCh38, 1-based): chr3:146,070,546, A>C on the plus strand (T>G on the coding strand, the complement: PLOD2 is on the minus strand). VCF-style: chr3-146070546-A-C. GRCh37 (hg19) VCF-style: chr3-145788333-A-C.
Other names: c.*171T>G (NM_000935.3).
Identifiers: ClinVar variation 343641 (VCV000343641.7), dbSNP rs13079521, ClinGen allele CA10617580.